The following is an entry in ClinVar:

NM_017875.4(SLC25A38):c.86A>G (p.Lys29Arg)

Gene: SLC25A38 (solute carrier family 25 member 38; plus strand). Cytogenetic location: 3p22.1.
Variant type: single nucleotide variant.
Coding change: c.86A>G on transcript NM_017875.4 (MANE Select); coding-DNA position 86, A replaced by G.
Protein change: p.Lys29Arg; replaces lysine 29 with arginine.
Molecular consequence: missense variant.
Genome position (GRCh38, 1-based): chr3:39,389,511, A>G. VCF-style: chr3-39389511-A-G. GRCh37 (hg19) VCF-style: chr3-39431002-A-G.
Other names: c.86A>G, p.Lys29Arg (NM_001354798.2); short protein forms K29R.
Identifiers: ClinVar variation 1434181 (VCV001434181.6), dbSNP rs2125577748, ClinGen allele CA352198604.
Genomic context (GRCh38, chr3:39,389,511, plus strand): 5'-TCACACAGGCAGAGCTACTGACACAATATTGTCTTATCCTGCAGTTACATCCGGTGATCA[A>G]GGCTTTCCTGTGTGGCTCCATCAGTGGGACCTGCTCTACCCTCCTTTTCCAACCTCTGGA-3'
Protein context (NP_060345.2, residues 19-39): VETLMLHPVI[Lys29Arg]AFLCGSISGT

ClinVar aggregate classification (germline): Uncertain significance (1 of 4 stars; one submission).

gnomAD v4.1: 3 of 1,614,192 alleles (0.00019%); highest among the groups gnomAD compares: Non-Finnish European, 0.00025%; no homozygotes.

Submission:

Labcorp Genetics (formerly Invitae), Labcorp
Classification: Uncertain significance. Last evaluated: 2022-06-28. Review status: criteria provided, single submitter. Criteria: Invitae Variant Classification Sherloc (09022015). Collection method: clinical testing. Allele origin: germline.
Comment: Algorithms developed to predict the effect of missense changes on protein structure and function are either unavailable or do not agree on the potential impact of this missense change (SIFT: "Tolerated"; PolyPhen-2: "Probably Damaging"; Align-GVGD: "Class C0"). Algorithms developed to predict the effect of sequence changes on RNA splicing suggest that this variant may disrupt the consensus splice site. In summary, the available evidence is currently insufficient to determine the role of this variant in disease. Therefore, it has been classified as a Variant of Uncertain Significance. This variant has not been reported in the literature in individuals affected with SLC25A38-related conditions. This sequence change replaces lysine, which is basic and polar, with arginine, which is basic and polar, at codon 29 of the SLC25A38 protein (p.Lys29Arg). This variant is not present in population databases (gnomAD no frequency).